The following is an entry in ClinVar:

NM_000257.4(MYH7):c.1055T>C (p.Leu352Pro)

Gene: MYH7 (myosin heavy chain 7; minus strand). Cytogenetic location: 14q11.2.
Variant type: single nucleotide variant.
Coding change: c.1055T>C on transcript NM_000257.4 (MANE Select); coding-DNA position 1055, T replaced by C.
Protein change: p.Leu352Pro; replaces leucine 352 with proline.
Molecular consequence: missense variant.
Genome position (GRCh38, 1-based): chr14:23,429,858, A>G on the plus strand (T>C on the coding strand, the complement: MYH7 is on the minus strand). VCF-style: chr14-23429858-A-G. GRCh37 (hg19) VCF-style: chr14-23899067-A-G.
Other names: short protein forms L352P.
Identifiers: ClinVar variation 1695861 (VCV001695861.2), dbSNP rs2138677445, ClinGen allele CA389051455.

ClinVar aggregate classification (germline): Uncertain significance (1 of 4 stars; one submission).

Submission:

GeneDx
Classification: Uncertain significance. Last evaluated: 2022-01-07. Review status: criteria provided, single submitter. Criteria: GeneDx Variant Classification Process June 2021. Collection method: clinical testing. Allele origin: germline. Affected: yes.
Comment: Has not been previously published as pathogenic or benign to our knowledge; Not observed at significant frequency in large population cohorts (gnomAD); In silico analysis supports that this missense variant has a deleterious effect on protein structure/function; This variant is associated with the following publications: (PMID: 27532257, 29300372)